The following is an entry in ClinVar:

ClinVar aggregate classification (germline): Likely benign (1 of 4 stars; one submission).

Allele frequency attached by ClinVar (database versions not stated): gnomAD 0.00552 and 0.00600; 1000 Genomes Project 0.00559; TOPMed 0.00639; 1000 Genomes Project 30x 0.00640.
gnomAD v4.1: 1,545 of 1,393,414 alleles (0.11%); highest among the groups gnomAD compares: African/African-American, 2%; 23 homozygotes.

Submission:

GeneDx
Classification: Likely benign. Last evaluated: 2018-06-15. Review status: criteria provided, single submitter. Criteria: GeneDx Variant Classification (06012015). Collection method: clinical testing. Allele origin: germline. Affected: yes.
Comment: This variant is considered likely benign or benign based on one or more of the following criteria: it is a conservative change, it occurs at a poorly conserved position in the protein, it is predicted to be benign by multiple in silico algorithms, and/or has population frequency not consistent with disease.

NM_001267550.2(TTN):c.1938+115C>T

Gene: TTN (titin; minus strand). Cytogenetic location: 2q31.2.
Variant type: single nucleotide variant.
Coding change: c.1938+115C>T on transcript NM_001267550.2 (MANE Select); 115 bases into the intron after coding-DNA position 1938, C replaced by T.
Molecular consequence: intron variant.
Genome position (GRCh38, 1-based): chr2:178,789,863, G>A on the plus strand (C>T on the coding strand, the complement: TTN is on the minus strand). VCF-style: chr2-178789863-G-A. GRCh37 (hg19) VCF-style: chr2-179654590-G-A.
Other names: c.1938+115C>T (NM_001256850.1, NM_133378.4, NM_133379.5); c.1800+115C>T (NM_003319.4, NM_133437.4, NM_133432.3).
Identifiers: ClinVar variation 675379 (VCV000675379.1), dbSNP rs150987573, ClinGen allele CA60983937.